The following is an entry in ClinVar:

ClinVar aggregate classification (germline): Uncertain significance (1 of 4 stars; one submission).

Conditions:
Hereditary sensory and autonomic neuropathy type 6. Also called: HSAN VI; Neuropathy, hereditary sensory and autonomic, type VI. Identifiers: Orphanet 314381, MedGen C3539003, MONDO:0013839, OMIM 614653.
Epidermolysis bullosa simplex 3, localized or generalized intermediate, with BP230 deficiency (EBS3). Also called: Epidermolysis bullosa simplex, autosomal recessive 2; Epidermolysis bullosa simplex due to BP230 deficiency. Identifiers: Orphanet 412181, MedGen C3809470, MONDO:0014180, OMIM 615425.

Submission:

Labcorp Genetics (formerly Invitae), Labcorp
Classification: Uncertain significance for Epidermolysis bullosa simplex 3, localized or generalized intermediate, with BP230 deficiency; Hereditary sensory and autonomic neuropathy type 6. Last evaluated: 2020-12-29. Review status: criteria provided, single submitter. Criteria: Invitae Variant Classification Sherloc (09022015). Collection method: clinical testing. Allele origin: germline.
Comment: In summary, the available evidence is currently insufficient to determine the role of this variant in disease. Therefore, it has been classified as a Variant of Uncertain Significance. Algorithms developed to predict the effect of missense changes on protein structure and function (SIFT, PolyPhen-2, Align-GVGD) all suggest that this variant is likely to be disruptive, but these predictions have not been confirmed by published functional studies and their clinical significance is uncertain. This variant has not been reported in the literature in individuals with DST-related conditions. This variant is not present in population databases (ExAC no frequency). This sequence change replaces threonine with isoleucine at codon 766 of the DST protein (p.Thr766Ile). The threonine residue is highly conserved and there is a moderate physicochemical difference between threonine and isoleucine.

NM_001374736.1(DST):c.3908C>T (p.Thr1303Ile)

Gene: DST (dystonin; minus strand). Cytogenetic location: 6p12.1.
Variant type: single nucleotide variant.
Coding change: c.3908C>T on transcript NM_001374736.1 (MANE Select); coding-DNA position 3908, C replaced by T.
Protein change: p.Thr1303Ile; replaces threonine 1303 with isoleucine.
Molecular consequence: missense variant.
Genome position (GRCh38, 1-based): chr6:56,631,938, G>A on the plus strand (C>T on the coding strand, the complement: DST is on the minus strand). VCF-style: chr6-56631938-G-A. GRCh37 (hg19) VCF-style: chr6-56496736-G-A.
Other names: c.3809C>T, p.Thr1270Ile (NM_001144769.5); c.3395C>T, p.Thr1132Ile (NM_001144770.2); c.3908C>T, p.Thr1303Ile (NM_001374722.1); c.3275C>T, p.Thr1092Ile (NM_001374729.1, NM_001374730.1, NM_001386100.1 and 1 more transcripts); c.3935C>T, p.Thr1312Ile (NM_001374734.1); c.2297C>T, p.Thr766Ile (NM_001723.7, NM_015548.5); short protein forms T1132I, T1092I, T1303I, T1270I, T766I, T1312I.
Identifiers: ClinVar variation 1474097 (VCV001474097.8), dbSNP rs369094577, ClinGen allele CA364574862.